The following is an entry in ClinVar:

ClinVar aggregate classification (germline): Uncertain significance. Review status: criteria provided, multiple submitters, no conflicts (2 of 4 stars). 4 submissions from 4 submitters: Uncertain significance (4). Last evaluated 2026-06-08.

Conditions:
Achondroplasia (ACH). Also called: Achondroplastic dwarfism. Identifiers: Orphanet 15, MedGen C0001080, MONDO:0007037, OMIM 100800. Disease mechanism: gain of function.
Levy-Hollister syndrome (LADD). Also called: LADD syndrome. Identifiers: Orphanet 2363, MedGen C0265269, MONDO:0007872.
Thanatophoric dysplasia type 1 (TD1). Also called: PLATYSPONDYLIC LETHAL SKELETAL DYSPLASIA, SAN DIEGO TYPE; Thanatophoric Dysplasia Type 1 (TD Type 1); LETHAL SHORT-LIMBED PLATYSPONDYLIC DWARFISM, SAN DIEGO TYPE. Identifiers: Orphanet 1860, Orphanet 2655, MedGen C1868678, MONDO:0008546, OMIM 187600. Disease mechanism: gain of function.
Thanatophoric dysplasia, type 2 (TD2). Also called: THANATOPHORIC DYSPLASIA WITH KLEEBLATTSCHAEDEL; THANATOPHORIC DYSPLASIA WITH STRAIGHT FEMURS AND CLOVERLEAF SKULL; Thanatophoric Dysplasia Type 2 (TD Type 2); CLOVERLEAF SKULL WITH THANATOPHORIC DWARFISM. Identifiers: Orphanet 2655, Orphanet 93274, MedGen C1300257, MONDO:0008547, OMIM 187601. Disease mechanism: gain of function.
Epidermal nevus. Also called: NEVUS, KERATINOCYTIC, NONEPIDERMOLYTIC; Nevus, epidermal, somatic. Identifiers: Orphanet 79414, MedGen C0334082, MONDO:0008093, OMIM 162900, HP:0010816.
Colorectal cancer. Also called: Colorectal cancer, somatic; Malignant Colorectal Neoplasm. Identifiers: MedGen C0346629, MONDO:0005575, OMIM 114500.
Camptodactyly-tall stature-scoliosis-hearing loss syndrome. Also called: CATSHL SYNDROME. Identifiers: Orphanet 85164, MedGen C1864852, MONDO:0012504, OMIM 610474.
Cervical cancer. Also called: Cervix cancer; Cancer of cervix; Cervical cancer, somatic. Identifiers: MedGen C4048328, MONDO:0002974, OMIM 603956, HP:0030079.
Muenke syndrome (MNKES). Also called: MUENKE NONSYNDROMIC CORONAL CRANIOSYNOSTOSIS. Identifiers: Orphanet 53271, MedGen C1864436, MONDO:0011274, OMIM 602849.
Malignant tumor of urinary bladder. Also called: Urinary Bladder Neoplasms; Urinary bladder cancer; Bladder cancer. Identifiers: MedGen C0005684, MONDO:0001187, OMIM 109800.
Severe achondroplasia-developmental delay-acanthosis nigricans syndrome. Also called: Severe achondroplasia with developmental delay and acanthosis nigricans; SADDAN dysplasia. Identifiers: Orphanet 85165, MedGen C2674173, MONDO:0014658, OMIM 616482.
Germ cell tumor of testis (TGCT). Also called: Testicular germ cell tumor; GERM CELL TUMOR, SOMATIC. Identifiers: Orphanet 363504, MedGen C1336708, MONDO:0010108, OMIM 273300.
Crouzon syndrome-acanthosis nigricans syndrome. Also called: CROUZONODERMOSKELETAL SYNDROME. Identifiers: Orphanet 93262, MedGen C2677099, MONDO:0012833, OMIM 612247.
Hypochondroplasia (HCH). Identifiers: Orphanet 429, MedGen C0410529, MONDO:0007793, OMIM 146000. Disease mechanism: gain of function.
FGFR3-related disorder. Also called: FGFR3-related disorders.

Allele frequency attached by ClinVar (database versions not stated): gnomAD 0.00001.
gnomAD v4.1: 9 of 1,612,628 alleles (0.00056%); highest among the groups gnomAD compares: African/African-American, 0.0067%; no homozygotes.

Submissions (4):

PreventionGenetics, part of Exact Sciences
Classification: Uncertain significance for FGFR3-related condition. Last evaluated: 2026-06-08. Review status: criteria provided, single submitter. Criteria: ACMG Guidelines, 2015. Collection method: clinical testing. Allele origin: germline.
Comment: The FGFR3 c.184C>T variant is predicted to result in the amino acid substitution p.Pro62Ser. This variant has been reported in an individual with anorectal anomalies (Table S1, Belanger Deloge et al. 2022. PubMed ID: 36474027). This variant is reported in 0.0033% of alleles in individuals of South Asian descent in gnomAD. At this time, the clinical significance of this variant is uncertain due to the absence of conclusive functional and genetic evidence.

Labcorp Genetics (formerly Invitae), Labcorp
Classification: Uncertain significance. Last evaluated: 2025-03-20. Review status: criteria provided, single submitter. Criteria: Invitae Variant Classification Sherloc (09022015). Collection method: clinical testing. Allele origin: germline.
Comment: This sequence change replaces proline, which is neutral and non-polar, with serine, which is neutral and polar, at codon 62 of the FGFR3 protein (p.Pro62Ser). This variant is present in population databases (rs533866031, gnomAD 0.003%). This variant has not been reported in the literature in individuals affected with FGFR3-related conditions. ClinVar contains an entry for this variant (Variation ID: 1684285). Invitae Evidence Modeling of protein sequence and biophysical properties (such as structural, functional, and spatial information, amino acid conservation, physicochemical variation, residue mobility, and thermodynamic stability) has been performed for this missense variant. However, the output from this modeling did not meet the statistical confidence thresholds required to predict the impact of this variant on FGFR3 protein function. In summary, the available evidence is currently insufficient to determine the role of this variant in disease. Therefore, it has been classified as a Variant of Uncertain Significance.

Daryl Scott Lab, Baylor College of Medicine
Classification: Uncertain significance for FGFR3-related disoder. Last evaluated: 2022-02-01. Review status: criteria provided, single submitter. Criteria: ACMG Guidelines, 2015. Collection method: clinical testing. Allele origin: unknown. Observed: 1 variant allele.

Fulgent Genetics
Classification: Uncertain significance for Achondroplasia; Malignant tumor of urinary bladder; Colorectal cancer; Hypochondroplasia; LADD syndrome 1; Epidermal nevus; Thanatophoric dysplasia type 1; Thanatophoric dysplasia, type 2; Germ cell tumor of testis; Muenke syndrome; Cervical cancer; Camptodactyly-tall stature-scoliosis-hearing loss syndrome; Crouzon syndrome-acanthosis nigricans syndrome; Severe achondroplasia-developmental delay-acanthosis nigricans syndrome. Last evaluated: 2021-08-16. Review status: criteria provided, single submitter. Criteria: ACMG Guidelines, 2015. Collection method: clinical testing. Allele origin: unknown.

Literature cited by the submitters: PubMed 36474027 (cited by Daryl Scott Lab, Baylor College of Medicine).

NM_000142.5(FGFR3):c.184C>T (p.Pro62Ser)

Gene: FGFR3 (fibroblast growth factor receptor 3; plus strand). Cytogenetic location: 4p16.3.
Variant type: single nucleotide variant.
Coding change: c.184C>T on transcript NM_000142.5 (MANE Select); coding-DNA position 184, C replaced by T.
Protein change: p.Pro62Ser; replaces proline 62 with serine.
Molecular consequence: missense variant. On other transcripts: non-coding transcript variant (1).
Genome position (GRCh38, 1-based): chr4:1,799,328, C>T. VCF-style: chr4-1799328-C-T. GRCh37 (hg19) VCF-style: chr4-1801055-C-T.
Other names: c.184C>T, p.Pro62Ser (NM_001163213.2, NM_001354809.2, NM_001354810.2 and 1 more transcripts); c.184C>T (NM_000142.4); short protein forms P62S.
Identifiers: ClinVar variation 1684285 (VCV001684285.4), dbSNP rs533866031, ClinGen allele CA2809735.